The following is an entry in ClinVar:

NM_001110556.2(FLNA):c.1376C>T (p.Thr459Met)

Gene: FLNA (filamin A; minus strand). Cytogenetic location: Xq28.
Variant type: single nucleotide variant.
Coding change: c.1376C>T on transcript NM_001110556.2 (MANE Select); coding-DNA position 1376, C replaced by T.
Protein change: p.Thr459Met; replaces threonine 459 with methionine.
Molecular consequence: missense variant.
Genome position (GRCh38, 1-based): chrX:154,366,077, G>A on the plus strand (C>T on the coding strand, the complement: FLNA is on the minus strand). VCF-style: chrX-154366077-G-A. GRCh37 (hg19) VCF-style: chrX-153594445-G-A.
Other names: c.1376C>T, p.Thr459Met (NM_001456.4); c.1376C>T (NM_001110556.1); short protein forms T459M.
Identifiers: ClinVar variation 838300 (VCV000838300.20), dbSNP rs375463904, ClinGen allele CA10561198.

ClinVar aggregate classification (germline): Conflicting classifications of pathogenicity. Review status: criteria provided, conflicting classifications (1 of 4 stars). 6 submissions from 6 submitters: Uncertain significance (2); Likely benign (4). Last evaluated 2026-08-03.

Conditions:
Melnick-Needles syndrome (MNS). Also called: MELNICK-NEEDLES OSTEODYSPLASTY; OSTEODYSPLASTY OF MELNICK AND NEEDLES; Melnick-Needles Syndrome (FLNA-MNS). Identifiers: Orphanet 2484, MedGen C0025237, MONDO:0010650, OMIM 309350.
Heterotopia, periventricular, X-linked dominant (PVNH1). Also called: X-linked periventricular heterotopia; PERIVENTRICULAR NODULAR HETEROTOPIA 1; PERIVENTRICULAR NODULAR HETEROTOPIA 4; HETEROTOPIA, PERIVENTRICULAR, 1. Identifiers: Orphanet 2149, Orphanet 82004, MedGen C1848213, MONDO:0010233, OMIM 300049.
Frontometaphyseal dysplasia (FMD1). Identifiers: Orphanet 1826, MedGen C0265293, MONDO:0015942.
Oto-palato-digital syndrome, type II (OPD2). Also called: FACIOPALATOOSSEOUS SYNDROME; Otopalatodigital Syndrome, Type II; OPD II SYNDROME; Otopalatodigital Syndrome Type 2 (FLNA-OPD2). Identifiers: Orphanet 669, Orphanet 90652, MedGen C1844696, MONDO:0010571, OMIM 304120.
Familial thoracic aortic aneurysm and aortic dissection (TAAD). Also called: Thoracic aortic aneurysms and dissections. Identifiers: Orphanet 91387, MedGen C4707243, MONDO:0019625.
FLNA-related disorder.

Allele frequency attached by ClinVar (database versions not stated): gnomAD exomes 0.00003 and 0.00006; ExAC 0.00007; TOPMed 0.00008; gnomAD 0.00010; ESP Exome Variant Server 0.00019; 1000 Genomes Project 30x 0.00021; 1000 Genomes Project 0.00026.
gnomAD v4.1: 43 of 1,208,718 alleles (0.0036%); highest among the groups gnomAD compares: African/African-American, 0.035%; no homozygotes.

Submissions (6):

PreventionGenetics, part of Exact Sciences
Classification: Likely benign for FLNA-related condition. Last evaluated: 2026-08-03. Review status: criteria provided, single submitter. Criteria: ACMG Guidelines, 2015. Collection method: clinical testing. Allele origin: germline.
Comment: This variant is classified as likely benign based on ACMG/AMP sequence variant interpretation guidelines (Richards et al. 2015 PMID: 25741868, with internal and published modifications).

Labcorp Genetics (formerly Invitae), Labcorp
Classification: Likely benign for Oto-palato-digital syndrome, type II; Heterotopia, periventricular, X-linked dominant; Frontometaphyseal dysplasia; Melnick-Needles syndrome. Last evaluated: 2025-12-15. Review status: criteria provided, single submitter. Criteria: Invitae Variant Classification Sherloc (09022015). Collection method: clinical testing. Allele origin: germline.

GeneDx
Classification: Likely benign. Last evaluated: 2021-11-19. Review status: criteria provided, single submitter. Criteria: GeneDx Variant Classification Process June 2021. Collection method: clinical testing. Allele origin: germline. Affected: yes.

Ambry Genetics
Classification: Uncertain significance for Familial thoracic aortic aneurysm and aortic dissection. Last evaluated: 2021-08-06. Review status: criteria provided, single submitter. Criteria: Ambry Variant Classification Scheme 2023. Collection method: clinical testing. Allele origin: germline.
Comment: The p.T459M variant (also known as c.1376C>T), located in coding exon 8 of the FLNA gene, results from a C to T substitution at nucleotide position 1376. The threonine at codon 459 is replaced by methionine, an amino acid with similar properties. Based on data from gnomAD, the T allele has an overall frequency of 0.006% (13/200812) total alleles studied, with 2 hemizygotes observed. The highest observed frequency was 0.05% (9/18201) of African/African-American alleles. This amino acid position is not well conserved in available vertebrate species, and methionine is the reference amino acid in other vertebrate species. In addition, the in silico prediction for this alteration is inconclusive. Since supporting evidence is limited at this time, the clinical significance of this alteration remains unclear.

Revvity Omics, Revvity
Classification: Uncertain significance. Last evaluated: 2021-04-13. Review status: criteria provided, single submitter. Criteria: ACMG Guidelines, 2015. Collection method: clinical testing. Allele origin: germline.

Breakthrough Genomics
Classification: Likely benign. Review status: criteria provided, single submitter. Criteria: ACMG Guidelines, 2015. Collection method: not provided. Allele origin: germline. Inheritance: X-linked inheritance. Affected: yes.